The following is an entry in ClinVar:

NM_003718.5(CDK13):c.2609A>G (p.Tyr870Cys)

Gene: CDK13 (cyclin dependent kinase 13; plus strand). Cytogenetic location: 7p14.1.
Variant type: single nucleotide variant.
Coding change: c.2609A>G on transcript NM_003718.5 (MANE Select); coding-DNA position 2609, A replaced by G.
Protein change: p.Tyr870Cys; replaces tyrosine 870 with cysteine.
Molecular consequence: missense variant.
Genome position (GRCh38, 1-based): chr7:40,062,834, A>G. VCF-style: chr7-40062834-A-G. GRCh37 (hg19) VCF-style: chr7-40102433-A-G.
Other names: c.2609A>G, p.Tyr870Cys (NM_031267.4); short protein forms Y870C.
Identifiers: ClinVar variation 1691565 (VCV001691565.3), dbSNP rs2150526766, ClinGen allele CA367285300.

ClinVar aggregate classification (germline): Likely pathogenic. Review status: criteria provided, multiple submitters, no conflicts (2 of 4 stars). 2 submissions from 2 submitters: Likely pathogenic (2). Last evaluated 2022-06-08.

Conditions:
CDK13-related disorder. Also called: CDK13-related condition. Identifiers: MedGen C5816700.
Congenital heart defects, dysmorphic facial features, and intellectual developmental disorder (CHDFIDD). Identifiers: Orphanet 646278, MedGen C4479246, MONDO:0044302, OMIM 617360.

gnomAD v4.1: 1 of 1,611,444 alleles (0.000062%); highest among the groups gnomAD compares: Admixed American, 0.0017%; no homozygotes.

Submissions (2):

Centre of Medical Genetics, University Hospital Muenster
Classification: Likely pathogenic for Congenital heart defects, dysmorphic facial features, and intellectual developmental disorder. Last evaluated: 2022-06-08. Review status: criteria provided, single submitter. Criteria: ACMG Guidelines, 2015. Collection method: clinical testing. Allele origin: de novo. Affected: yes. Observed: 1 variant allele, 1 heterozygote.
Comment: ACMG categories: PS2,PM1,PM2,PP3,BP1

Blueprint Genetics
Classification: Likely pathogenic for CDK13-related disorders. Last evaluated: 2021-11-29. Review status: criteria provided, single submitter. Criteria: ACMG Guidelines, 2015. Collection method: clinical testing. Allele origin: germline. Affected: yes. Observed: 1 variant allele.